The following is an entry in ClinVar:

ClinVar aggregate classification (germline): Pathogenic. Review status: criteria provided, multiple submitters, no conflicts (2 of 4 stars). 2 submissions from 2 submitters: Pathogenic (2). Last evaluated 2025-07-01.

Conditions:
Autosomal recessive early-onset Parkinson disease 6 (PARK6). Also called: PARKINSON DISEASE 6, MODIFIER OF; PINK1 Type of Young-Onset Parkinson Disease; PARKINSON DISEASE 6, EARLY-ONSET; PINK1-Related Parkinson Disease. Identifiers: Orphanet 2828, MedGen C1853833, MONDO:0011613, OMIM 605909.
PINK1-related disorder. Also called: PINK1-related condition.

Submissions (2):

PreventionGenetics, part of Exact Sciences
Classification: Pathogenic for PINK1-related condition. Last evaluated: 2025-07-01. Review status: criteria provided, single submitter. Criteria: ACMG Guidelines, 2015. Collection method: clinical testing. Allele origin: germline.
Comment: The PINK1 c.1329delC variant is predicted to result in a frameshift and premature protein termination (p.Tyr444Metfs*39). This variant has been reported to segregate with early-onset Parkinson disease in a large Mexican family where four homozygous individuals were affected and four heterozygous individuals were not affected (described as c.1423delC or p.A443AfsX481 in Monroy-Jaramillo et al 2014. PubMed ID: 24677602). One affected family member was found heterozygous for this variant but the second allele was not identified. This variant is reported in 0.071% of alleles in individuals of Latino descent in gnomAD. Frameshift variants in PINK1 are expected to be pathogenic. This variant is interpreted as pathogenic for autosomal recessive PINK1-related disease.

Labcorp Genetics (formerly Invitae), Labcorp
Classification: Pathogenic for Autosomal recessive early-onset Parkinson disease 6. Last evaluated: 2024-02-06. Review status: criteria provided, single submitter. Criteria: Invitae Variant Classification Sherloc (09022015). Collection method: clinical testing. Allele origin: germline.
Comment: This sequence change creates a premature translational stop signal (p.Tyr444Metfs*39) in the PINK1 gene. While this is not anticipated to result in nonsense mediated decay, it is expected to disrupt the last 138 amino acid(s) of the PINK1 protein. This variant is present in population databases (rs775479526, gnomAD 0.07%). This premature translational stop signal has been observed in individual(s) with autosomal recessive early-onset Parkinson's disease (PMID: 24677602). It has also been observed to segregate with disease in related individuals. This variant is also known as c.1423delC (p.A443AfsX481). ClinVar contains an entry for this variant (Variation ID: 1399771). This variant disrupts a region of the PINK1 protein in which other variant(s) (p.Arg492*) have been determined to be pathogenic (PMID: 15349870, 17960343, 18785233). This suggests that this is a clinically significant region of the protein, and that variants that disrupt it are likely to be disease-causing. For these reasons, this variant has been classified as Pathogenic.

Literature cited by the submitters: PubMed 24677602 (cited by Labcorp Genetics (formerly Invitae), Labcorp); PubMed 15349870 (cited by Labcorp Genetics (formerly Invitae), Labcorp); PubMed 17960343 (cited by Labcorp Genetics (formerly Invitae), Labcorp); PubMed 18785233 (cited by Labcorp Genetics (formerly Invitae), Labcorp).

NM_032409.3(PINK1):c.1329del (p.Tyr444fs)

Genes: PINK1 (PTEN induced kinase 1; plus strand), PINK1-AS (PINK1 antisense RNA; minus strand). Cytogenetic location: 1p36.12.
Variant type: Deletion.
Coding change: c.1329del on transcript NM_032409.3 (MANE Select); coding-DNA position 1329, one base deleted (C; older notation c.1329delC).
Protein change: p.Tyr444fs; shifts the reading frame from tyrosine 444.
Molecular consequence: frameshift variant. On other transcripts: non-coding transcript variant (1).
Genome position (GRCh38, 1-based): chr1:20,649,072, C deleted; the last of 2 consecutive C bases (chr1:20,649,071-20,649,072); deleting either gives the same sequence. VCF-style (leftmost placement, unchanged base first): chr1-20649070-GC-G. GRCh37 (hg19) VCF-style: chr1-20975563-GC-G.
Other names: c.1329delC (NM_032409.2); short protein forms Y444fs.
Identifiers: ClinVar variation 1399771 (VCV001399771.10), dbSNP rs775479526, ClinGen allele CA660800.